The following is an entry in ClinVar:

NM_000245.4(MET):c.79A>G (p.Lys27Glu)

Gene: MET (MET proto-oncogene, receptor tyrosine kinase; plus strand). Cytogenetic location: 7q31.2.
Variant type: single nucleotide variant.
Coding change: c.79A>G on transcript NM_000245.4 (MANE Select); coding-DNA position 79, A replaced by G.
Protein change: p.Lys27Glu; replaces lysine 27 with glutamic acid.
Molecular consequence: missense variant. On other transcripts: intron variant (1).
Genome position (GRCh38, 1-based): chr7:116,699,163, A>G. VCF-style: chr7-116699163-A-G. GRCh37 (hg19) VCF-style: chr7-116339217-A-G.
Other names: c.79A>G, p.Lys27Glu (NM_001127500.3, NM_001324401.3); c.-91+26586A>G (NM_001324402.2); short protein forms K27E.
Identifiers: ClinVar variation 3395183 (VCV003395183.3).

ClinVar aggregate classification (germline): Uncertain significance. Review status: criteria provided, multiple submitters, no conflicts (2 of 4 stars). 2 submissions from 2 submitters: Uncertain significance (2). Last evaluated 2024-11-27.

Conditions:
Renal cell carcinoma. Identifiers: Orphanet 217071, MedGen C0007134, MeSH D002292, MONDO:0005086, HP:0005584.
Hereditary cancer-predisposing syndrome. Also called: Hereditary Cancer Syndrome; Tumor predisposition; Hereditary neoplastic syndrome; Neoplastic Syndromes, Hereditary. Identifiers: Orphanet 140162, MedGen C0027672, MeSH D009386, MONDO:0015356.

Submissions (2):

Labcorp Genetics (formerly Invitae), Labcorp
Classification: Uncertain significance for Renal cell carcinoma. Last evaluated: 2024-11-27. Review status: criteria provided, single submitter. Criteria: Invitae Variant Classification Sherloc (09022015). Collection method: clinical testing. Allele origin: germline.
Comment: This sequence change replaces lysine, which is basic and polar, with glutamic acid, which is acidic and polar, at codon 27 of the MET protein (p.Lys27Glu). This variant is not present in population databases (gnomAD no frequency). This variant has not been reported in the literature in individuals affected with MET-related conditions. Invitae Evidence Modeling of protein sequence and biophysical properties (such as structural, functional, and spatial information, amino acid conservation, physicochemical variation, residue mobility, and thermodynamic stability) indicates that this missense variant is not expected to disrupt MET protein function with a negative predictive value of 80%. In summary, the available evidence is currently insufficient to determine the role of this variant in disease. Therefore, it has been classified as a Variant of Uncertain Significance.

Ambry Genetics
Classification: Uncertain significance for Hereditary cancer-predisposing syndrome. Last evaluated: 2024-11-11. Review status: criteria provided, single submitter. Criteria: Ambry Variant Classification Scheme 2023. Collection method: clinical testing. Allele origin: germline.
Comment: The p.K27E variant (also known as c.79A>G), located in coding exon 1 of the MET gene, results from an A to G substitution at nucleotide position 79. The lysine at codon 27 is replaced by glutamic acid, an amino acid with similar properties. This amino acid position is not well conserved in available vertebrate species. In addition, this alteration is predicted to be tolerated by in silico analysis. Based on the available evidence, the clinical significance of this variant remains unclear.